The following is an entry in ClinVar:

NM_001376.5(DYNC1H1):c.10378G>T (p.Ala3460Ser)

Gene: DYNC1H1 (dynein cytoplasmic 1 heavy chain 1; plus strand). Cytogenetic location: 14q32.31.
Variant type: single nucleotide variant.
Coding change: c.10378G>T on transcript NM_001376.5 (MANE Select); coding-DNA position 10378, G replaced by T.
Protein change: p.Ala3460Ser; replaces alanine 3460 with serine.
Molecular consequence: missense variant.
Genome position (GRCh38, 1-based): chr14:102,033,449, G>T. VCF-style: chr14-102033449-G-T. GRCh37 (hg19) VCF-style: chr14-102499786-G-T.
Other names: short protein forms A3460S.
Identifiers: ClinVar variation 3365421 (VCV003365421.1).
Genomic context (GRCh38, chr14:102,033,449, plus strand): 5'-CTGGAAGCCAGCATCGCCCGCTACAAGGAGGAATACGCCGTCCTGATCTCAGAGGCCCAG[G>T]CCATCAAGGCAGACCTGGCAGCTGTCGAGGCAAAAGTAAGATTATCATCATTGATCCTCA-3'
Protein context (NP_001367.2, residues 3450-3470): EYAVLISEAQ[Ala3460Ser]IKADLAAVEA

ClinVar aggregate classification (germline): Uncertain significance (1 of 4 stars; one submission).

Submission:

GeneDx
Classification: Uncertain significance. Last evaluated: 2023-12-12. Review status: criteria provided, single submitter. Criteria: GeneDx Variant Classification Process June 2021. Collection method: clinical testing. Allele origin: germline. Affected: yes.
Comment: Not observed at significant frequency in large population cohorts (gnomAD); In silico analysis supports that this missense variant does not alter protein structure/function; Has not been previously published as pathogenic or benign to our knowledge; This variant is associated with the following publications: (PMID: 25512093, 25609763, 26100331)